The following is an entry in ClinVar:

ClinVar aggregate classification (germline): Conflicting classifications of pathogenicity. Review status: criteria provided, conflicting classifications (1 of 4 stars). 2 submissions from 2 submitters: Likely pathogenic (1); Uncertain significance (1). Last evaluated 2025-01-15.

Conditions:
Diamond-Blackfan anemia 18 (DBA18). Identifiers: MedGen C5193020, MONDO:0032668, OMIM 618310.

Submissions (2):

Embryology Laboratory, Victor Chang Cardiac Research Institute
Classification: Likely pathogenic for Diamond-Blackfan anemia 18. Last evaluated: 2025-01-15. Review status: criteria provided, single submitter. Criteria: ACMG Guidelines, 2015. Collection method: research, in vitro. Allele origin: maternal, not applicable. Inheritance: Autosomal dominant inheritance. Affected: yes. Observed: 1 heterozygote. Functional consequence: effect on translation.
Comment: RPL18 c.397G>C is present in all affected individuals in the family. The variant is absent from gnomAD and is predicted to have a deleterious effect by several metrics including AlphaMissense and BayesDel. This region in RPL18 is intolerant to missense variation according to MTR3D. Diamond Blackfan anaemia (DBA) with neutropenia observed in affected individuals phenotypically overlaps with those found in a case of DBA with neutropenia caused by a different RPL18 variant (Mirabello et al 2017 J.Med.Genet 54:417-25), although congenital anomalies are also found in individuals with the RPL18 c.397G>C variant. RPL18 carrying the variant displays reduced expression and stability and abnormal intracellular distribution, and interferes with protein synthesis in cultured cells. The variant was classified using ACMG/AMP guidelines (Richards, 2015) as implemented in VarSome (Kopanos et al 2019 Bioinfo 35:1978-80). PP3 - supporting, PM2 - supporting, PS3 - supporting, PP1 - strong

Labcorp Genetics (formerly Invitae), Labcorp
Classification: Uncertain significance. Last evaluated: 2024-03-18. Review status: criteria provided, single submitter. Criteria: Invitae Variant Classification Sherloc (09022015). Collection method: clinical testing. Allele origin: germline.
Comment: This sequence change replaces glycine, which is neutral and non-polar, with arginine, which is basic and polar, at codon 133 of the RPL18 protein (p.Gly133Arg). This variant is not present in population databases (gnomAD no frequency). This variant has not been reported in the literature in individuals affected with RPL18-related conditions. An algorithm developed to predict the effect of missense changes on protein structure and function (PolyPhen-2) suggests that this variant is likely to be disruptive. In summary, the available evidence is currently insufficient to determine the role of this variant in disease. Therefore, it has been classified as a Variant of Uncertain Significance.

NM_000979.4(RPL18):c.397G>C (p.Gly133Arg)

Gene: RPL18 (ribosomal protein L18; minus strand). Cytogenetic location: 19q13.33.
Variant type: single nucleotide variant.
Coding change: c.397G>C on transcript NM_000979.4 (MANE Select); coding-DNA position 397, G replaced by C.
Protein change: p.Gly133Arg; replaces glycine 133 with arginine.
Molecular consequence: missense variant. On other transcripts: non-coding transcript variant (1).
Genome position (GRCh38, 1-based): chr19:48,616,103, C>G on the plus strand (G>C on the coding strand, the complement: RPL18 is on the minus strand). VCF-style: chr19-48616103-C-G. GRCh37 (hg19) VCF-style: chr19-49119360-C-G.
Other names: c.[397G>C] (NM_000979.4); c.310G>C, p.Gly104Arg (NM_001270490.2); short protein forms G104R, G133R.
Identifiers: ClinVar variation 3573470 (VCV003573470.4).